The following is an entry in ClinVar:

NM_001458.5(FLNC):c.1166G>A (p.Gly389Asp)

Gene: FLNC (filamin C; plus strand). Cytogenetic location: 7q32.1.
Variant type: single nucleotide variant.
Coding change: c.1166G>A on transcript NM_001458.5 (MANE Select); coding-DNA position 1166, G replaced by A.
Protein change: p.Gly389Asp; replaces glycine 389 with aspartic acid.
Molecular consequence: missense variant.
Genome position (GRCh38, 1-based): chr7:128,838,385, G>A. VCF-style: chr7-128838385-G-A. GRCh37 (hg19) VCF-style: chr7-128478439-G-A.
Other names: p.Gly389Asp; c.1166G>A, p.Gly389Asp (NM_001127487.2); short protein forms G389D.
Identifiers: ClinVar variation 418214 (VCV000418214.25), dbSNP rs763039506, ClinGen allele CA4474248.

ClinVar aggregate classification (germline): Conflicting classifications of pathogenicity. Review status: criteria provided, conflicting classifications (1 of 4 stars). 11 submissions from 11 submitters: Uncertain significance (3); Benign (1); Likely benign (4). 3 of the submissions do not count toward it. Last evaluated 2025-12-21.

Conditions:
FLNC-related disorder. Also called: FLNC-related disorders; FLNC-related condition.
Distal myopathy with posterior leg and anterior hand involvement. Also called: WILLIAMS DISTAL MYOPATHY. Identifiers: Orphanet 63273, MedGen C3279722, MONDO:0013550, OMIM 614065.
Hypertrophic cardiomyopathy 26. Also called: Cardiomyopathy, familial hypertrophic, 26. Identifiers: Orphanet 75249, MedGen C4310749, MONDO:0014883, OMIM 617047.
Myofibrillar myopathy 5. Also called: Filaminopathy (type); FILAMINOPATHY, AUTOSOMAL DOMINANT. Identifiers: Orphanet 171445, MedGen C1836050, MONDO:0012289, OMIM 609524.
Cardiovascular phenotype. Identifiers: MedGen CN230736.
Cardiomyopathy (CMYO). Also called: Cardiomyopathies. Identifiers: Orphanet 167848, MedGen C0878544, MONDO:0004994, HP:0001638. Inheritance: Various modes of inheritance.

Allele frequency attached by ClinVar (database versions not stated): TOPMed 0.00005; gnomAD exomes 0.00011 and 0.00013; ExAC 0.00012; gnomAD 0.00016.

Submissions (11):

Labcorp Genetics (formerly Invitae), Labcorp
Classification: Likely benign for Distal myopathy with posterior leg and anterior hand involvement; Myofibrillar myopathy 5; Hypertrophic cardiomyopathy 26. Last evaluated: 2025-12-21. Review status: criteria provided, single submitter. Criteria: Invitae Variant Classification Sherloc (09022015). Collection method: clinical testing. Allele origin: germline.

Mayo Clinic Laboratories, Mayo Clinic
Classification: Uncertain significance. Last evaluated: 2024-06-11. Review status: criteria provided, single submitter. Criteria: ACMG Guidelines, 2015. Collection method: clinical testing. Allele origin: germline. Observed: 1 variant allele.
Comment: PP3

Ambry Genetics
Classification: Likely benign for Cardiovascular phenotype. Last evaluated: 2023-11-17. Review status: criteria provided, single submitter. Criteria: Ambry Variant Classification Scheme 2023. Collection method: clinical testing. Allele origin: germline.

Women's Health and Genetics/Laboratory Corporation of America, LabCorp
Classification: Likely benign. Last evaluated: 2023-10-31. Review status: criteria provided, single submitter. Criteria: LabCorp Variant Classification Summary - May 2015. Collection method: clinical testing. Allele origin: germline.
Comment: Variant summary: FLNC c.1166G>A (p.Gly389Asp) results in a non-conservative amino acid change in the encoded protein sequence. Five of five in-silico tools predict a damaging effect of the variant on protein function. The variant allele was found at a frequency of 0.00011 in 249496 control chromosomes. The observed variant frequency is approximately 14 fold of the estimated maximal expected allele frequency for a pathogenic variant in FLNC causing Dilated Cardiomyopathy phenotype (7.8e-06), strongly suggesting that the variant is benign. To our knowledge, no occurrence of c.1166G>A in individuals affected with Dilated Cardiomyopathy and no experimental evidence demonstrating its impact on protein function have been reported. Four submitters have cited clinical-significance assessments for this variant to ClinVar after 2014 and classified as benign/likely benign (n=2) and VUS (n=2). Based on the evidence outlined above, the variant was classified as likely benign.

Blueprint Genetics
Classification: Likely benign. Last evaluated: 2023-03-23. Review status: criteria provided, single submitter. Criteria: ACMG Guidelines, 2015. Collection method: clinical testing. Allele origin: germline.

GeneDx
Classification: Benign. Last evaluated: 2022-07-13. Review status: criteria provided, single submitter. Criteria: GeneDx Variant Classification Process June 2021. Collection method: clinical testing. Allele origin: germline. Affected: yes.
Comment: See Variant Classification Assertion Criteria.

CHEO Genetics Diagnostic Laboratory, Children's Hospital of Eastern Ontario
Classification: Uncertain significance for Cardiomyopathy. Last evaluated: 2022-03-31. Review status: criteria provided, single submitter. Criteria: ACMG Guidelines, 2015. Collection method: clinical testing. Allele origin: germline.

Fulgent Genetics
Classification: Uncertain significance for Myofibrillar myopathy 5; Distal myopathy with posterior leg and anterior hand involvement; Hypertrophic cardiomyopathy 26. Last evaluated: 2021-09-30. Review status: criteria provided, single submitter. Criteria: ACMG Guidelines, 2015. Collection method: clinical testing. Allele origin: unknown.

PreventionGenetics, part of Exact Sciences
Classification: Likely benign for FLNC-related condition. Last evaluated: 2024-08-04. Review status: no assertion criteria provided. Collection method: clinical testing. Allele origin: germline. Not counted in ClinVar's aggregate classification.
Comment: This variant is classified as likely benign based on ACMG/AMP sequence variant interpretation guidelines (Richards et al. 2015 PMID: 25741868, with internal and published modifications).

Diagnostic Laboratory, Department of Genetics, University Medical Center Groningen
Classification: Uncertain significance. Review status: no assertion criteria provided. Collection method: clinical testing. Allele origin: germline. Affected: yes. Study: VKGL Data-share Consensus. Not counted in ClinVar's aggregate classification.

Genome Diagnostics Laboratory, University Medical Center Utrecht
Classification: Uncertain significance. Review status: no assertion criteria provided. Collection method: clinical testing. Allele origin: germline. Affected: yes. Study: VKGL Data-share Consensus. Not counted in ClinVar's aggregate classification.